The following is an entry in ClinVar:

ClinVar aggregate classification (germline): Pathogenic (1 of 4 stars; one submission).

Submission:

Labcorp Genetics (formerly Invitae), Labcorp
Classification: Pathogenic. Last evaluated: 2025-09-02. Review status: criteria provided, single submitter. Criteria: Invitae Variant Classification Sherloc (09022015). Collection method: clinical testing. Allele origin: germline.
Comment: This sequence change falls in intron 16 of the PHEX gene. It does not directly change the encoded amino acid sequence of the PHEX protein. It affects a nucleotide within the consensus splice site. This variant is not present in population databases (gnomAD no frequency). This variant has been observed in individual(s) with clinical features of hypophosphatemic rickets (PMID: 36060934; internal data). ClinVar contains an entry for this variant (Variation ID: 2117944). Variants that disrupt the consensus splice site are a relatively common cause of aberrant splicing (PMID: 17576681, 9536098). Algorithms developed to predict the effect of sequence changes on RNA splicing suggest that this variant may disrupt the consensus splice site. This variant disrupts the c.1700+5 nucleotide in the PHEX gene. Other variant(s) that disrupt this nucleotide have been determined to be pathogenic (PMID: 30682568; internal data). This suggests that this nucleotide is clinically significant, and that variants that disrupt this position are likely to be disease-causing. For these reasons, this variant has been classified as Pathogenic.

Literature cited by the submitters: PubMed 36060934; PubMed 17576681; PubMed 9536098; PubMed 30682568.

NM_000444.6(PHEX):c.1700+5G>C

Genes: PHEX (phosphate regulating endopeptidase X-linked; plus strand), PTCHD1-AS (PTCHD1 and PHEX antisense RNA; minus strand). Cytogenetic location: Xp22.11.
Variant type: single nucleotide variant.
Coding change: c.1700+5G>C on transcript NM_000444.6 (MANE Select); 5 bases into the intron after coding-DNA position 1700, G replaced by C.
Molecular consequence: intron variant.
Genome position (GRCh38, 1-based): chrX:22,212,963, G>C. VCF-style: chrX-22212963-G-C. GRCh37 (hg19) VCF-style: chrX-22231080-G-C.
Other names: c.1700+5G>C (NM_001282754.2).
Identifiers: ClinVar variation 2117944 (VCV002117944.4), dbSNP rs2147164144, ClinGen allele CA2580100472.